The following is an entry in ClinVar:

NM_002016.2(FLG):c.11539C>T (p.Gln3847Ter)

Genes: CCDST (cervical cancer associated DHX9 suppressive transcript; plus strand), FLG (filaggrin; minus strand). Cytogenetic location: 1q21.3.
Variant type: single nucleotide variant.
Coding change: c.11539C>T on transcript NM_002016.2 (MANE Select); coding-DNA position 11539, C replaced by T.
Protein change: p.Gln3847Ter; replaces glutamine 3847 with a stop codon.
Molecular consequence: nonsense.
Genome position (GRCh38, 1-based): chr1:152,303,347, G>A on the plus strand (C>T on the coding strand, the complement: FLG is on the minus strand). VCF-style: chr1-152303347-G-A. GRCh37 (hg19) VCF-style: chr1-152275823-G-A.
Other names: short protein forms Q3847*.
Identifiers: ClinVar variation 1033886 (VCV001033886.1), dbSNP rs1651717933, ClinGen allele CA342057167.
Genomic context (GRCh38, chr1:152,303,347, plus strand): 5'-TGTCCTGGCTAACACTGGATCCCTGGCGCCTGCTTCTCCTGGACCCCGCTGATTCACCCT[G>A]GCCGGACTGTGAGTGTCTAGAGCTGTCAGCCTGAGTGGAAGCTTCATGGTGACGCGACCC-3'

ClinVar aggregate classification (germline): Uncertain significance (1 of 4 stars; one submission).

Conditions:
Ichthyosis vulgaris. Also called: ICHTHYOSIS SIMPLEX; Dominant ichthyosis vulgaris. Identifiers: MedGen C0079584, MONDO:0024304, OMIM 146700.

Submission:

Baylor Genetics
Classification: Uncertain significance for Ichthyosis vulgaris. Last evaluated: 2018-07-30. Review status: criteria provided, single submitter. Criteria: ACMG Guidelines, 2015. Collection method: clinical testing. Allele origin: maternal. Affected: yes.
Comment: This variant was determined to be of uncertain significance according to ACMG Guidelines, 2015 [PMID:25741868].